The following is an entry in ClinVar:

ClinVar aggregate classification (germline): Uncertain significance (1 of 4 stars; one submission).

Conditions:
Inborn genetic diseases. Identifiers: MedGen C0950123, MeSH D030342.

Submission:

Ambry Genetics
Classification: Uncertain significance for Inborn genetic diseases. Last evaluated: 2018-07-09. Review status: criteria provided, single submitter. Criteria: Ambry Variant Classification Scheme 2023. Collection method: clinical testing. Allele origin: germline.
Comment: The p.V13A variant (also known as c.38T>C), located in coding exon 1 of the EPM2A gene, results from a T to C substitution at nucleotide position 38. The valine at codon 13 is replaced by alanine, an amino acid with similar properties. This amino acid position is not well conserved in available vertebrate species, and alanine is the reference amino acid in other vertebrate species. In addition, the in silico prediction for this alteration is inconclusive. Since supporting evidence is limited at this time, the clinical significance of this alteration remains unclear.

NM_005670.4(EPM2A):c.38T>C (p.Val13Ala)

Genes: EPM2A (EPM2A glucan phosphatase, laforin; minus strand), EPM2A-DT (EPM2A divergent transcript; plus strand), LOC129997381 (ATAC-STARR-seq lymphoblastoid silent region 17642; plus strand). Cytogenetic location: 6q24.3.
Variant type: single nucleotide variant.
Coding change: c.38T>C on transcript NM_005670.4 (MANE Select); coding-DNA position 38, T replaced by C.
Protein change: p.Val13Ala; replaces valine 13 with alanine.
Molecular consequence: missense variant. On other transcripts: 5 prime UTR variant (3), intron variant (1).
Genome position (GRCh38, 1-based): chr6:145,735,461, A>G on the plus strand (T>C on the coding strand, the complement: EPM2A is on the minus strand). VCF-style: chr6-145735461-A-G. GRCh37 (hg19) VCF-style: chr6-146056597-A-G.
Other names: c.38T>C, p.Val13Ala (NM_001018041.2, NM_001360057.2, NM_001368130.1); c.-632T>C (NM_001360071.2); c.-586T>C (NM_001368129.2); c.-330T>C (NM_001368131.1); c.-114+447T>C (NM_001360064.2); short protein forms V13A.
Identifiers: ClinVar variation 1736010 (VCV001736010.2), dbSNP rs2534175675, ClinGen allele CA366188636.